The following is an entry in ClinVar:

NM_006005.3(WFS1):c.316-14T>C

Gene: WFS1 (wolframin ER transmembrane glycoprotein; plus strand). Cytogenetic location: 4p16.1.
Variant type: single nucleotide variant.
Coding change: c.316-14T>C on transcript NM_006005.3 (MANE Select); 14 bases into the intron before coding-DNA position 316, T replaced by C.
Molecular consequence: intron variant.
Genome position (GRCh38, 1-based): chr4:6,288,973, T>C. VCF-style: chr4-6288973-T-C. GRCh37 (hg19) VCF-style: chr4-6290700-T-C.
Other names: c.316-14T>C (NM_001145853.1).
Identifiers: ClinVar variation 385813 (VCV000385813.11), dbSNP rs749922151, ClinGen allele CA16604624.
Genomic context (GRCh38, chr4:6,288,973, plus strand): 5'-GAGGTGGGCTGGCAGGGAGCATGGGGTGGGAGAGGGTCGGAGAATCTGGAGGCTGACTGG[T>C]GTCTGGCTTGCAGGTGGGGAAGCACTACCTGCAGTTGGCCGGCGACACGGATGAAGAACT-3'

ClinVar aggregate classification (germline): Likely benign. Review status: criteria provided, multiple submitters, no conflicts (2 of 4 stars). 4 submissions from 4 submitters: Likely benign (4). Last evaluated 2025-07-23.

Conditions:
Autosomal dominant nonsyndromic hearing loss 6 (LFSNHL). Also called: Autosomal dominant nonsyndromic deafness 6; DEAFNESS, AUTOSOMAL DOMINANT 6; DEAFNESS, AUTOSOMAL DOMINANT 14; DEAFNESS, AUTOSOMAL DOMINANT 38. Identifiers: Orphanet 90635, MedGen C1833021, MONDO:0010963, OMIM 600965.
Type 2 diabetes mellitus. Also called: Type II diabetes mellitus. Identifiers: MedGen C0011860, MeSH D003924, MONDO:0005148, OMIM 125853, HP:0005978.
Wolfram-like syndrome. Also called: HEARING LOSS, PROGRESSIVE, WITH OPTIC ATROPHY AND/OR IMPAIRED GLUCOSE REGULATION. Identifiers: Orphanet 411590, MedGen C3280358, MONDO:0013673, OMIM 614296.
Wolfram syndrome 1 (WFS1). Identifiers: Orphanet 3463, MedGen C4551693, MONDO:0009101, OMIM 222300.
Cataract 41 (CTRCT41). Also called: CATARACT 41, CONGENITAL NUCLEAR TYPE. Identifiers: Orphanet 91492, Orphanet 98991, Orphanet 98992, Orphanet 98995, MedGen C3805412, MONDO:0007287, OMIM 116400.

gnomAD v4.1: 15 of 1,606,050 alleles (0.00093%); highest among the groups gnomAD compares: Admixed American, 0.0017%; no homozygotes.

Submissions (4):

Labcorp Genetics (formerly Invitae), Labcorp
Classification: Likely benign. Last evaluated: 2025-07-23. Review status: criteria provided, single submitter. Criteria: Invitae Variant Classification Sherloc (09022015). Collection method: clinical testing. Allele origin: germline.

Blueprint Genetics
Classification: Likely benign. Last evaluated: 2024-09-24. Review status: criteria provided, single submitter. Criteria: ACMG Guidelines, 2015. Collection method: clinical testing. Allele origin: germline.

Fulgent Genetics
Classification: Likely benign for Cataract 41; Type 2 diabetes mellitus; Wolfram syndrome 1; Autosomal dominant nonsyndromic hearing loss 6; Wolfram-like syndrome. Last evaluated: 2021-09-22. Review status: criteria provided, single submitter. Criteria: ACMG Guidelines, 2015. Collection method: clinical testing. Allele origin: unknown.

GeneDx
Classification: Likely benign. Last evaluated: 2016-05-31. Review status: criteria provided, single submitter. Criteria: GeneDx Variant Classification (06012015). Collection method: clinical testing. Allele origin: germline. Affected: yes.
Comment: This variant is considered likely benign or benign based on one or more of the following criteria: it is a conservative change, it occurs at a poorly conserved position in the protein, it is predicted to be benign by multiple in silico algorithms, and/or has population frequency not consistent with disease.